The following is an entry in ClinVar:

NM_014003.4(DHX38):c.512A>G (p.Asp171Gly)

Gene: DHX38 (DEAH-box helicase 38; plus strand). Cytogenetic location: 16q22.2.
Variant type: single nucleotide variant.
Coding change: c.512A>G on transcript NM_014003.4 (MANE Select); coding-DNA position 512, A replaced by G.
Protein change: p.Asp171Gly; replaces aspartic acid 171 with glycine.
Molecular consequence: missense variant.
Genome position (GRCh38, 1-based): chr16:72,097,677, A>G. VCF-style: chr16-72097677-A-G. GRCh37 (hg19) VCF-style: chr16-72131576-A-G.
Other names: short protein forms D171G.
Identifiers: ClinVar variation 1913046 (VCV001913046.2), dbSNP rs764939717, ClinGen allele CA8159997.

ClinVar aggregate classification (germline): Uncertain significance (1 of 4 stars; one submission).

Allele frequency attached by ClinVar (database versions not stated): gnomAD exomes below 0.00001; ExAC 0.00001.
gnomAD v4.1: 2 of 1,613,760 alleles (0.00012%); no homozygotes.

Submission:

Labcorp Genetics (formerly Invitae), Labcorp
Classification: Uncertain significance. Last evaluated: 2022-08-21. Review status: criteria provided, single submitter. Criteria: Invitae Variant Classification Sherloc (09022015). Collection method: clinical testing. Allele origin: germline.
Comment: This sequence change replaces aspartic acid, which is acidic and polar, with glycine, which is neutral and non-polar, at codon 171 of the DHX38 protein (p.Asp171Gly). The frequency data for this variant in the population databases is considered unreliable, as metrics indicate poor data quality at this position in the gnomAD database. This variant has not been reported in the literature in individuals affected with DHX38-related conditions. Algorithms developed to predict the effect of missense changes on protein structure and function are either unavailable or do not agree on the potential impact of this missense change (SIFT: "Deleterious"; PolyPhen-2: "Benign"; Align-GVGD: "Class C0"). Algorithms developed to predict the effect of sequence changes on RNA splicing suggest that this variant may disrupt the consensus splice site. In summary, the available evidence is currently insufficient to determine the role of this variant in disease. Therefore, it has been classified as a Variant of Uncertain Significance.